The following is an entry in ClinVar:

ClinVar aggregate classification (germline): Pathogenic (1 of 4 stars; one submission).

Conditions:
Cohen syndrome (COH1). Also called: PEPPER SYNDROME; Cutis verticis gyrata, retinitis pigmentosa, and sensorineural deafness. Identifiers: Orphanet 193, MedGen C0265223, MONDO:0008999, OMIM 216550.

Submission:

Labcorp Genetics (formerly Invitae), Labcorp
Classification: Pathogenic for Cohen syndrome. Last evaluated: 2020-03-27. Review status: criteria provided, single submitter. Criteria: Invitae Variant Classification Sherloc (09022015). Collection method: clinical testing. Allele origin: germline.
Comment: For these reasons, this variant has been classified as Pathogenic. Loss-of-function variants in VPS13B are known to be pathogenic (PMID: 15141358, 16648375, 20461111). This variant has not been reported in the literature in individuals with VPS13B-related conditions. This variant is an out-of-frame deletion of the genomic region encompassing exon(s) 34-36 of the VPS13B gene. This is expected to create a premature translational stop signal and result in an absent or disrupted protein product.

Literature cited by the submitters: PubMed 15141358; PubMed 16648375; PubMed 20461111.

NC_000008.10:g.(?_100654029)_(100712170_?)del

Gene: VPS13B (vacuolar protein sorting 13 homolog B; plus strand). Cytogenetic location: 8q22.2.
Variant type: Deletion.
Identifiers: ClinVar variation 1068729 (VCV001068729.5).